The following is an entry in ClinVar:

ClinVar aggregate classification (germline): Uncertain significance (1 of 4 stars; one submission).

Conditions:
KCNA6-related neurodevelopmenta disorder.

Submission:

3billion
Classification: Uncertain significance for KCNA6-related neurodevelopmenta disorder. Last evaluated: 2025-02-24. Review status: criteria provided, single submitter. Criteria: ACMG Guidelines, 2015. Collection method: clinical testing. Allele origin: germline. Affected: yes.
Comment: The variant is not observed in the gnomAD v4.1.0 dataset. Predicted Consequence/Location: Missense variant. Missense changes are a common disease-causing mechanism. In silico tool predictions suggest damaging effect of the variant on gene or gene product [REVEL: 0.72 (>=0.6, sensitivity 0.68 and specificity 0.92); 3Cnet: 0.68 (>=0.6, sensitivity 0.72 and precision 0.9)]. Therefore, this variant is classified as VUS according to the recommendation of ACMG/AMP guideline.

NM_002235.5(KCNA6):c.589C>T (p.Pro197Ser)

Genes: KCNA6 (potassium voltage-gated channel subfamily A member 6; plus strand), KCNA6-AS1 (KCNA6 antisense RNA 1; minus strand). Cytogenetic location: 12p13.32.
Variant type: single nucleotide variant.
Coding change: c.589C>T on transcript NM_002235.5 (MANE Select); coding-DNA position 589, C replaced by T.
Protein change: p.Pro197Ser; replaces proline 197 with serine.
Molecular consequence: missense variant. On other transcripts: non-coding transcript variant (3).
Genome position (GRCh38, 1-based): chr12:4,810,630, C>T. VCF-style: chr12-4810630-C-T. GRCh37 (hg19) VCF-style: chr12-4919796-C-T.
Other names: short protein forms P197S.
Identifiers: ClinVar variation 4293476 (VCV004293476.1).